The following is an entry in ClinVar:

ClinVar aggregate classification (germline): Uncertain significance. Review status: criteria provided, multiple submitters, no conflicts (2 of 4 stars). 3 submissions from 3 submitters: Uncertain significance (3). Last evaluated 2026-09-11.

Conditions:
Retinitis pigmentosa 80 (RP80). Identifiers: MedGen C4540439, MONDO:0054708, OMIM 617781.
Saldino-Mainzer syndrome (SRTD9). Also called: Renal dysplasia, retinal pigmentary dystrophy, cerebellar ataxia and skeletal dysplasia; SHORT-RIB THORACIC DYSPLASIA 9 WITHOUT POLYDACTYLY; CONORENAL SYNDROME; short-rib thoracic dysplasia 9 with or without polydactyly. Identifiers: Orphanet 140969, MedGen C1849437, MONDO:0009964, OMIM 266920.
Inborn genetic diseases. Identifiers: MedGen C0950123, MeSH D030342.

Allele frequency attached by ClinVar (database versions not stated): gnomAD 0.00003 and 0.00004.
gnomAD v4.1: 10 of 1,611,386 alleles (0.00062%); highest among the groups gnomAD compares: South Asian, 0.0022%; no homozygotes.

Submissions (3):

Ambry Genetics
Classification: Uncertain significance for Inborn genetic diseases. Last evaluated: 2026-09-11. Review status: criteria provided, single submitter. Criteria: Ambry Variant Classification Scheme 2023. Collection method: clinical testing. Allele origin: germline.

Fulgent Genetics
Classification: Uncertain significance for Saldino-Mainzer syndrome; Retinitis pigmentosa 80. Last evaluated: 2022-03-29. Review status: criteria provided, single submitter. Criteria: ACMG Guidelines, 2015. Collection method: clinical testing. Allele origin: unknown.

Labcorp Genetics (formerly Invitae), Labcorp
Classification: Uncertain significance for Saldino-Mainzer syndrome. Last evaluated: 2021-11-14. Review status: criteria provided, single submitter. Criteria: Invitae Variant Classification Sherloc (09022015). Collection method: clinical testing. Allele origin: germline.
Comment: In summary, the available evidence is currently insufficient to determine the role of this variant in disease. Therefore, it has been classified as a Variant of Uncertain Significance. Algorithms developed to predict the effect of missense changes on protein structure and function are either unavailable or do not agree on the potential impact of this missense change (SIFT: "Deleterious"; PolyPhen-2: "Probably Damaging"; Align-GVGD: "Class C0"). This variant has not been reported in the literature in individuals affected with IFT140-related conditions. This variant is not present in population databases (gnomAD no frequency). This sequence change replaces serine, which is neutral and polar, with leucine, which is neutral and non-polar, at codon 927 of the IFT140 protein (p.Ser927Leu).

NM_014714.4(IFT140):c.2780C>T (p.Ser927Leu)

Genes: IFT140 (intraflagellar transport 140; minus strand), LOC126862260 (CDK7 strongly-dependent group 2 enhancer GRCh37_chr16:1574508-1575707; plus strand). Cytogenetic location: 16p13.3.
Variant type: single nucleotide variant.
Coding change: c.2780C>T on transcript NM_014714.4 (MANE Select); coding-DNA position 2780, C replaced by T.
Protein change: p.Ser927Leu; replaces serine 927 with leucine.
Molecular consequence: missense variant.
Genome position (GRCh38, 1-based): chr16:1,525,315, G>A on the plus strand (C>T on the coding strand, the complement: IFT140 is on the minus strand). VCF-style: chr16-1525315-G-A. GRCh37 (hg19) VCF-style: chr16-1575316-G-A.
Other names: c.2780C>T (NM_014714.3); short protein forms S927L.
Identifiers: ClinVar variation 1407101 (VCV001407101.8), dbSNP rs2040655109, ClinGen allele CA394226934.